The following is an entry in ClinVar:

ClinVar aggregate classification (germline): not provided (0 of 4 stars; one submission).

Allele frequency attached by ClinVar (database versions not stated): TOPMed 0.00006; gnomAD 0.00022; gnomAD exomes 0.00030; 1000 Genomes Project 30x 0.00031; 1000 Genomes Project 0.00040.

Submission:

Human Evolutionary Genetics, Institut Pasteur
No classification provided. Review status: no classification provided. Collection method: not provided. Allele origin: germline.
ClinVar note: Converted during submission from untested to not provided.

NC_000016.10:g.3577538G>T

Gene: NLRC3 (NLR family CARD domain containing 3; minus strand). Cytogenetic location: 16p13.3.
Variant type: single nucleotide variant.
Genome position: GRCh38 VCF-style: chr16-3577538-G-T. GRCh37 (hg19) VCF-style: chr16-3627539-G-T.
Identifiers: ClinVar variation 102965 (VCV000102965.2), dbSNP rs199475930, ClinGen allele CA229931.